The following is an entry in ClinVar:

ClinVar aggregate classification (germline): Conflicting classifications of pathogenicity. Review status: criteria provided, conflicting classifications (1 of 4 stars). 14 submissions from 11 submitters: Uncertain significance (3); Benign (4); Likely benign (7). Last evaluated 2026-09-21.

Conditions:
KCNQ1-related disorder. Also called: KCNQ1-related disorders; KCNQ1-related condition. Identifiers: MedGen CN239322.
Cardiac arrhythmia. Also called: Cardiac rhythm disease; Arrhythmia. Identifiers: MedGen C0003811, MONDO:0007263, HP:0011675.
Long QT syndrome (LQTS). Identifiers: MedGen C0023976, MeSH D008133, MONDO:0002442. Disease mechanism: loss of function. Inheritance: Various modes of inheritance.
Jervell and Lange-Nielsen syndrome 1 (JLNS1). Also called: DEAFNESS, CONGENITAL, AND FUNCTIONAL HEART DISEASE; CARDIOAUDITORY SYNDROME OF JERVELL AND LANGE-NIELSEN; PROLONGED QT INTERVAL IN EKG AND SUDDEN DEATH; SURDO-CARDIAC SYNDROME. Identifiers: Orphanet 768, Orphanet 90647, MedGen C4551509, MONDO:0024540, OMIM 220400.
Long QT syndrome 1 (LQT1). Identifiers: Orphanet 101016, Orphanet 768, MedGen C4551647, MONDO:0100316, OMIM 192500, MONDO:0008646.
Atrial fibrillation, familial, 3 (ATFB3). Identifiers: MedGen C1837014, MONDO:0011857, OMIM 607554.
Short QT syndrome type 2. Identifiers: Orphanet 51083, MedGen C1865019, MONDO:0012313, OMIM 609621.

Allele frequency attached by ClinVar (database versions not stated): ExAC 0.00017; TOPMed 0.00025; 1000 Genomes Project 0.00040; ESP Exome Variant Server 0.00046; 1000 Genomes Project 30x 0.00062.
gnomAD v4.1: 229 of 1,614,202 alleles (0.014%); highest among the groups gnomAD compares: Middle Eastern, 0.13%; 1 homozygote.

Submissions (14):

Molecular Diagnostic Laboratory for Inherited Cardiovascular Disease, Montreal Heart Institute
Classification: Likely benign. Last evaluated: 2026-09-21. Review status: criteria provided, single submitter. Criteria: ACMG Guidelines, 2015. Collection method: clinical testing. Allele origin: germline. Affected: no.
Comment: BS1

CeGaT Center for Human Genetics Tuebingen
Classification: Likely benign. Last evaluated: 2026-09-01. Review status: criteria provided, single submitter. Criteria: CeGaT Center For Human Genetics Tuebingen Variant Classification Criteria Version 2. Collection method: clinical testing. Allele origin: germline. Affected: yes. Observed: 4 variant alleles.
Comment: KCNQ1: BP4

Labcorp Genetics (formerly Invitae), Labcorp
Classification: Benign for Long QT syndrome. Last evaluated: 2026-01-17. Review status: criteria provided, single submitter. Criteria: Invitae Variant Classification Sherloc (09022015). Collection method: clinical testing. Allele origin: germline.

Dasa
Classification: Likely benign. Last evaluated: 2025-11-14. Review status: criteria provided, single submitter. Criteria: DASA Assertion Criteria. Collection method: clinical testing. Allele origin: germline.
Comment: NM_000218.3(KCNQ1):c.1394-8C>T is a splice-region variant. Population frequency is inconsistent with a disease-causing role for this variant. Computational prediction algorithms are consistent with a benign effect. Therefore, based on the currently available evidence, this variant is classified as likely benign.

Blueprint Genetics
Classification: Likely benign. Last evaluated: 2024-10-08. Review status: criteria provided, single submitter. Criteria: ACMG Guidelines, 2015. Collection method: clinical testing. Allele origin: germline.

PreventionGenetics, part of Exact Sciences
Classification: Likely benign for KCNQ1-related condition. Last evaluated: 2024-10-02. Review status: criteria provided, single submitter. Criteria: ACMG Guidelines, 2015. Collection method: clinical testing. Allele origin: germline.
Comment: This variant is classified as likely benign based on ACMG/AMP sequence variant interpretation guidelines (Richards et al. 2015 PMID: 25741868, with internal and published modifications).

Color Diagnostics, LLC DBA Color Health
Classification: Likely benign for Arrhythmia. Last evaluated: 2018-10-16. Review status: criteria provided, single submitter. Criteria: ACMG Guidelines, 2015. Collection method: clinical testing. Allele origin: germline.

Illumina Laboratory Services, Illumina
Classification: Uncertain significance for Long QT syndrome 1. Last evaluated: 2018-01-13. Review status: criteria provided, single submitter. Criteria: ICSL Variant Classification Criteria 13 December 2019. Collection method: clinical testing. Allele origin: germline.

Illumina Laboratory Services, Illumina
Classification: Uncertain significance for Atrial fibrillation, familial, 3. Last evaluated: 2018-01-13. Review status: criteria provided, single submitter. Criteria: ICSL Variant Classification Criteria 13 December 2019. Collection method: clinical testing. Allele origin: germline.

Illumina Laboratory Services, Illumina
Classification: Uncertain significance for Jervell and Lange-Nielsen syndrome 1. Last evaluated: 2018-01-13. Review status: criteria provided, single submitter. Criteria: ICSL Variant Classification Criteria 13 December 2019. Collection method: clinical testing. Allele origin: germline.

Illumina Laboratory Services, Illumina
Classification: Benign for Short QT syndrome type 2. Last evaluated: 2018-01-13. Review status: criteria provided, single submitter. Criteria: ICSL Variant Classification Criteria 13 December 2019. Collection method: clinical testing. Allele origin: germline.
Comment: This variant was observed in the ICSL laboratory as part of a predisposition screen in an ostensibly healthy population. It had not been previously curated by ICSL or reported in the Human Gene Mutation Database (HGMD: prior to June 1st, 2018), and was therefore a candidate for classification through an automated scoring system. Utilizing variant allele frequency, disease prevalence and penetrance estimates, and inheritance mode, an automated score was calculated to assess if this variant is too frequent to cause the disease. Based on the score and internal cut-off values, a variant classified as benign is not then subjected to further curation. The score for this variant resulted in a classification of benign for this disease.

Women's Health and Genetics/Laboratory Corporation of America, LabCorp
Classification: Benign. Last evaluated: 2016-08-29. Review status: criteria provided, single submitter. Criteria: LabCorp Variant Classification Summary - May 2015. Collection method: clinical testing. Allele origin: germline.
Comment: Variant summary: The KCNQ1 c.1394-8C>T variant involves the alteration of a non-conserved intronic nucleotide with 5/5 splice prediction tools predicting no significant impact on splicing, although these predictions have yet to be functionally assessed. The variant of interest was observed in the large, broad control population, ExAC, with an allele frequency of 21/121140 (1/5767), which exceeds the estimated maximal expected allele frequency for a pathogenic KCNQ1 variant of 1/10000 (0.0001), suggesting this variant is likely a benign polymorphism. The variant of interest has not, to our knowledge, been reported in affected individuals via publications. However, multiple clinical laboratories have cited the variant as "likely benign/benign." Therefore, the variant of interest has been classified as Benign.

Laboratory for Molecular Medicine, Mass General Brigham Personalized Medicine
Classification: Likely benign. Last evaluated: 2014-04-01. Review status: criteria provided, single submitter. Criteria: LMM Criteria. Collection method: clinical testing. Allele origin: germline. Observed: 1 variant allele.
Comment: 1394-8C>T in intron 10: This variant is not expected to have clinical significan ce because it does not diverge from the splice consensus sequence. It has been identified in 0.11% (5/4404) of African American chromosomes by the NHLBI Exome Sequencing Project

GeneDx
Classification: Benign. Last evaluated: 2014-02-03. Review status: criteria provided, single submitter. Criteria: GeneDx Variant Classification (06012015). Collection method: clinical testing. Allele origin: germline. Affected: yes.
Comment: This variant is considered likely benign or benign based on one or more of the following criteria: it is a conservative change, it occurs at a poorly conserved position in the protein, it is predicted to be benign by multiple in silico algorithms, and/or has population frequency not consistent with disease.

NM_000218.3(KCNQ1):c.1394-8C>T

Genes: KCNQ1 (potassium voltage-gated channel subfamily Q member 1; plus strand), KCNQ1OT1 (KCNQ1 opposite strand/antisense transcript 1; minus strand). Cytogenetic location: 11p15.5.
Variant type: single nucleotide variant.
Coding change: c.1394-8C>T on transcript NM_000218.3 (MANE Select); 8 bases into the intron before coding-DNA position 1394, C replaced by T.
Molecular consequence: intron variant.
Genome position (GRCh38, 1-based): chr11:2,661,953, C>T. VCF-style: chr11-2661953-C-T. GRCh37 (hg19) VCF-style: chr11-2683183-C-T.
Other names: c.1124-8C>T (NM_001406837.1); c.1298-8C>T (NM_001406836.1); c.854-8C>T (NM_001406838.1); c.1013-8C>T (NM_181798.2).
Identifiers: ClinVar variation 138004 (VCV000138004.42), dbSNP rs371488379, ClinGen allele CA005747.